The following is an entry in ClinVar:

ClinVar aggregate classification (germline): Likely pathogenic (1 of 4 stars; one submission).

Conditions:
Arginase deficiency. Also called: ARGININEMIA; Arginase 1 Deficiency; ARG1 DEFICIENCY. Identifiers: Orphanet 90, MedGen C0268548, MONDO:0008814, OMIM 207800.

Allele frequency attached by ClinVar (database versions not stated): gnomAD exomes below 0.00001.
gnomAD v4.1: 3 of 1,613,962 alleles (0.00019%); highest among the groups gnomAD compares: South Asian, 0.0011%; no homozygotes.

Submission:

Labcorp Genetics (formerly Invitae), Labcorp
Classification: Likely pathogenic for Arginase deficiency. Last evaluated: 2022-10-31. Review status: criteria provided, single submitter. Criteria: Invitae Variant Classification Sherloc (09022015). Collection method: clinical testing. Allele origin: germline.
Comment: This variant is not present in population databases (gnomAD no frequency). In summary, the currently available evidence indicates that the variant is pathogenic, but additional data are needed to prove that conclusively. Therefore, this variant has been classified as Likely Pathogenic. Algorithms developed to predict the effect of sequence changes on RNA splicing suggest that this variant may disrupt the consensus splice site. ClinVar contains an entry for this variant (Variation ID: 837901). This variant has not been reported in the literature in individuals affected with ARG1-related conditions. This sequence change affects an acceptor splice site in intron 2 of the ARG1 gene. It is expected to disrupt RNA splicing. Variants that disrupt the donor or acceptor splice site typically lead to a loss of protein function (PMID: 16199547), and loss-of-function variants in ARG1 are known to be pathogenic (PMID: 7649538, 12052859).

Literature cited by the submitters: PubMed 16199547; PubMed 7649538; PubMed 12052859.

NM_000045.4(ARG1):c.131-1G>C

Genes: ARG1 (arginase 1; plus strand), MED23 (mediator complex subunit 23; minus strand). Cytogenetic location: 6q23.2.
Variant type: single nucleotide variant.
Coding change: c.131-1G>C on transcript NM_000045.4 (MANE Select); the canonical splice acceptor site of the intron before coding-DNA position 131, G replaced by C.
Molecular consequence: splice acceptor variant. On other transcripts: missense variant (1), intron variant (2).
Genome position (GRCh38, 1-based): chr6:131,579,110, G>C. VCF-style: chr6-131579110-G-C. GRCh37 (hg19) VCF-style: chr6-131900250-G-C.
Other names: c.154G>C, p.Glu52Gln (NM_001244438.2); c.131-1G>C (NM_001369020.1); c.4078-4815C>G (NM_001270521.2); c.4096-4815C>G (NM_015979.4); short protein forms E52Q.
Identifiers: ClinVar variation 837901 (VCV000837901.46), dbSNP rs1773782306, ClinGen allele CA365650207.